The following is an entry in ClinVar:

NM_017780.4(CHD7):c.6401A>G (p.Asn2134Ser)

Gene: CHD7 (chromodomain helicase DNA binding protein 7; plus strand). Cytogenetic location: 8q12.2.
Variant type: single nucleotide variant.
Coding change: c.6401A>G on transcript NM_017780.4 (MANE Select); coding-DNA position 6401, A replaced by G.
Protein change: p.Asn2134Ser; replaces asparagine 2134 with serine.
Molecular consequence: missense variant. On other transcripts: intron variant (1).
Genome position (GRCh38, 1-based): chr8:60,853,126, A>G. VCF-style: chr8-60853126-A-G. GRCh37 (hg19) VCF-style: chr8-61765685-A-G.
Other names: c.1717-9103A>G (NM_001316690.1); c.6401A>G (NM_017780.3); short protein forms N2134S.
Identifiers: ClinVar variation 2582072 (VCV002582072.2), dbSNP rs753361097, ClinGen allele CA4760586.

ClinVar aggregate classification (germline): Uncertain significance. Review status: criteria provided, multiple submitters, no conflicts (2 of 4 stars). 2 submissions from 2 submitters: Uncertain significance (2). Last evaluated 2023-03-27.

Conditions:
CHD7-related disorder. Also called: CHD7-related condition.

Allele frequency attached by ClinVar (database versions not stated): gnomAD exomes below 0.00001; ExAC 0.00001; gnomAD 0.00001.
gnomAD v4.1: 11 of 1,613,924 alleles (0.00068%); highest among the groups gnomAD compares: East Asian, 0.0022%; no homozygotes.

Submissions (2):

GeneDx
Classification: Uncertain significance. Last evaluated: 2023-03-27. Review status: criteria provided, single submitter. Criteria: GeneDx Variant Classification Process June 2021. Collection method: clinical testing. Allele origin: germline. Affected: yes.
Comment: In silico analysis supports that this missense variant does not alter protein structure/function; Has not been previously published as pathogenic or benign to our knowledge

PreventionGenetics, part of Exact Sciences
Classification: Uncertain significance for CHD7-related condition. Last evaluated: 2023-02-05. Review status: criteria provided, single submitter. Criteria: ACMG Guidelines, 2015. Collection method: clinical testing. Allele origin: germline.
Comment: The CHD7 c.6401A>G variant is predicted to result in the amino acid substitution p.Asn2134Ser. To our knowledge, this variant has not been reported in the literature. This variant is reported in 0.0% of alleles in individuals of African descent in gnomAD. At this time, the clinical significance of this variant is uncertain due to the absence of conclusive functional and genetic evidence.